The following is an entry in ClinVar:

ClinVar aggregate classification (germline): Uncertain significance. Review status: criteria provided, multiple submitters, no conflicts (2 of 4 stars). 2 submissions from 2 submitters: Uncertain significance (2). Last evaluated 2026-02-16.

Conditions:
Hereditary cancer-predisposing syndrome. Also called: Hereditary Cancer Syndrome; Neoplastic Syndromes, Hereditary; Tumor predisposition; Hereditary neoplastic syndrome. Identifiers: Orphanet 140162, MedGen C0027672, MeSH D009386, MONDO:0015356.

gnomAD v4.1: 1 of 1,613,428 alleles (0.000062%); highest among the groups gnomAD compares: East Asian, 0.0022%; no homozygotes.

Submissions (2):

Ambry Genetics
Classification: Uncertain significance for Hereditary cancer-predisposing syndrome. Last evaluated: 2026-02-16. Review status: criteria provided, single submitter. Criteria: Ambry Variant Classification Scheme 2023. Collection method: clinical testing. Allele origin: germline.
Comment: The p.I276T variant (also known as c.827T>C), located in coding exon 9 of the POLE gene, results from a T to C substitution at nucleotide position 827. The isoleucine at codon 276 is replaced by threonine, an amino acid with similar properties. This amino acid position is conserved. In addition, this alteration is predicted to be deleterious by in silico analysis. Based on the available evidence, the clinical significance of this variant remains unclear.

Labcorp Genetics (formerly Invitae), Labcorp
Classification: Uncertain significance. Last evaluated: 2025-05-05. Review status: criteria provided, single submitter. Criteria: Invitae Variant Classification Sherloc (09022015). Collection method: clinical testing. Allele origin: germline.
Comment: This sequence change replaces isoleucine, which is neutral and non-polar, with threonine, which is neutral and polar, at codon 276 of the POLE protein (p.Ile276Thr). This variant is present in population databases (no rsID available, gnomAD 0.06%). This variant has not been reported in the literature in individuals affected with POLE-related conditions. ClinVar contains an entry for this variant (Variation ID: 3687531). Invitae Evidence Modeling of protein sequence and biophysical properties (such as structural, functional, and spatial information, amino acid conservation, physicochemical variation, residue mobility, and thermodynamic stability) indicates that this missense variant is expected to disrupt POLE protein function with a positive predictive value of 80%. In summary, the available evidence is currently insufficient to determine the role of this variant in disease. Therefore, it has been classified as a Variant of Uncertain Significance.

NM_006231.4(POLE):c.827T>C (p.Ile276Thr)

Gene: POLE (DNA polymerase epsilon, catalytic subunit; minus strand). Cytogenetic location: 12q24.33.
Variant type: single nucleotide variant.
Coding change: c.827T>C on transcript NM_006231.4 (MANE Select); coding-DNA position 827, T replaced by C.
Protein change: p.Ile276Thr; replaces isoleucine 276 with threonine.
Molecular consequence: missense variant.
Genome position (GRCh38, 1-based): chr12:132,676,628, A>G on the plus strand (T>C on the coding strand, the complement: POLE is on the minus strand). VCF-style: chr12-132676628-A-G. GRCh37 (hg19) VCF-style: chr12-133253214-A-G.
Other names: c.827T>C (NM_006231.2); short protein forms I276T.
Identifiers: ClinVar variation 3687531 (VCV003687531.3).
Genomic context (GRCh38, chr12:132,676,628, plus strand): 5'-ATCATCATAATCTGGTCTGTCTCAGCATCAGGAAACTTGAGGGGCAGTTTGGTCGTCTCA[A>G]TGTCAAATGCCAAAACCACAGGGTCCTGTGGGGACAAAATAAGCATAAAGCCAAGCTCTA-3'
Protein context (NP_006222.2, residues 266-286): RPDPVVLAFD[Ile276Thr]ETTKLPLKFP